The following is an entry in ClinVar:

ClinVar aggregate classification (germline): Uncertain significance (1 of 4 stars; one submission).

Submission:

Dasa
Classification: Uncertain significance. Last evaluated: 2024-10-28. Review status: criteria provided, single submitter. Criteria: DASA Assertion Criteria. Collection method: clinical testing. Allele origin: germline.
Comment: NM_012216.4(MID2):c.4G>T (p.Gly2Cys) is a missense variant that results in the substitution of glycine with cysteine. This variant is rare in population databases. Computational prediction algorithms are consistent with a benign effect. The currently available literature and clinical evidence are not sufficient to establish a definitive association between this variant and the reported condition. Therefore, this variant is classified as a variant of uncertain significance.

NM_012216.4(MID2):c.4G>T (p.Gly2Cys)

Genes: MID2 (midline 2; plus strand), LOC130068534 (ATAC-STARR-seq lymphoblastoid silent region 20933; plus strand). Cytogenetic location: Xq22.3.
Variant type: single nucleotide variant.
Coding change: c.4G>T on transcript NM_012216.4 (MANE Select); coding-DNA position 4, G replaced by T.
Protein change: p.Gly2Cys; replaces glycine 2 with cysteine.
Molecular consequence: missense variant. On other transcripts: intron variant (2).
Genome position (GRCh38, 1-based): chrX:107,826,430, G>T. VCF-style: chrX-107826430-G-T. GRCh37 (hg19) VCF-style: chrX-107069660-G-T.
Other names: c.4G>T, p.Gly2Cys (NM_052817.3); c.-57+630G>T (NM_001382751.1, NM_001382752.1); short protein forms G2C.
Identifiers: ClinVar variation 4882440 (VCV004882440.2).
Genomic context (GRCh38, chrX:107,826,430, plus strand): 5'-GACGAGAGCCCAGCGCCCTCGAGCGAGCGGAGGAGATGGCTGGCACCTGGGAACGCTATG[G>T]GTAAAACGCGCCCCCTCGCCGCGGCCCTGGAGGTCGAGCGTCGTAGCCCTCGCAGGGCTA-3'
Protein context (NP_036348.2, residues 1-12): M[Gly2Cys]ESPASVVLNA